The following is an entry in ClinVar:

NM_001385641.1(SAMD11):c.2415G>A (p.Thr805=)

Gene: SAMD11 (sterile alpha motif domain containing 11; plus strand). Cytogenetic location: 1p36.33.
Variant type: single nucleotide variant.
Coding change: c.2415G>A on transcript NM_001385641.1 (MANE Select); coding-DNA position 2415, G replaced by A.
Protein change: p.Thr805=; no amino-acid change (threonine 805 retained).
Molecular consequence: synonymous variant.
Genome position (GRCh38, 1-based): chr1:944,033, G>A. VCF-style: chr1-944033-G-A. GRCh37 (hg19) VCF-style: chr1-879413-G-A.
Other names: c.2418G>A, p.Thr806= (NM_001385640.1); c.1926G>A, p.Thr642= (NM_152486.4); c.1926G>A (NM_152486.2).
Identifiers: ClinVar variation 1168848 (VCV001168848.12), dbSNP rs116279254, ClinGen allele CA503393.
Genomic context (GRCh38, chr1:944,033, plus strand): 5'-ACCAACCCTGCGGGCCCCGGAGCGAGAACTCGGCACAGGAGAGCAGCCCTTGTCCCCCAC[G>A]ACGGCCACGTCCCCCTATGGAGGGGGCCACGCCCTTGCCGGTCAAACTTCACCCAAGCAG-3'
Protein context (NP_001372570.1, residues 795-815): LGTGEQPLSP[Thr805=]TATSPYGGGH

ClinVar aggregate classification (germline): Benign. Review status: criteria provided, multiple submitters, no conflicts (2 of 4 stars). 3 submissions from 3 submitters: Benign (2). 1 of the submissions does not count toward it. Last evaluated 2026-02-01.

Conditions:
SAMD11-related disorder. Also called: SAMD11-related condition.

Allele frequency attached by ClinVar (database versions not stated): gnomAD exomes 0.00076; ExAC 0.00246; gnomAD 0.00657 and 0.00705; 1000 Genomes Project 0.00719; ESP Exome Variant Server 0.00746; TOPMed 0.00758; 1000 Genomes Project 30x 0.00796.
gnomAD v4.1: 2,154 of 1,612,838 alleles (0.13%); highest among the groups gnomAD compares: African/African-American, 2.2%; 16 homozygotes.

Submissions (3):

Labcorp Genetics (formerly Invitae), Labcorp
Classification: Benign. Last evaluated: 2026-02-01. Review status: criteria provided, single submitter. Criteria: Invitae Variant Classification Sherloc (09022015). Collection method: clinical testing. Allele origin: germline.

Breakthrough Genomics
Classification: Benign. Review status: criteria provided, single submitter. Criteria: ACMG Guidelines, 2015. Collection method: not provided. Allele origin: germline. Inheritance: Unknown mechanism. Affected: yes.

PreventionGenetics, part of Exact Sciences
Classification: Benign for SAMD11-related condition. Last evaluated: 2024-06-26. Review status: no assertion criteria provided. Collection method: clinical testing. Allele origin: germline. Not counted in ClinVar's aggregate classification.
Comment: This variant is classified as benign based on ACMG/AMP sequence variant interpretation guidelines (Richards et al. 2015 PMID: 25741868, with internal and published modifications).